The following is an entry in ClinVar:

ClinVar aggregate classification (germline): Uncertain significance. Review status: criteria provided, multiple submitters, no conflicts (2 of 4 stars). 2 submissions from 2 submitters: Uncertain significance (2). Last evaluated 2026-02-08.

Conditions:
Inborn genetic diseases. Identifiers: MedGen C0950123, MeSH D030342.

gnomAD v4.1: 2 of 1,613,846 alleles (0.00012%); highest among the groups gnomAD compares: Admixed American, 0.0033%; no homozygotes.

Submissions (2):

GeneDx
Classification: Uncertain significance. Last evaluated: 2026-02-08. Review status: criteria provided, single submitter. Criteria: GeneDx Variant Classification Process June 2021. Collection method: clinical testing. Allele origin: germline.
Comment: Not observed at significant frequency in large population cohorts (gnomAD); In silico analysis supports that this missense variant has a deleterious effect on protein structure/function; Has not been previously published as pathogenic or benign to our knowledge

Ambry Genetics
Classification: Uncertain significance for Inborn genetic diseases. Last evaluated: 2025-11-12. Review status: criteria provided, single submitter. Criteria: Ambry Variant Classification Scheme 2023. Collection method: clinical testing. Allele origin: germline.

NM_006545.5(NPRL2):c.742A>C (p.Thr248Pro)

Gene: NPRL2 (NPR2 like, GATOR1 complex subunit; minus strand). Cytogenetic location: 3p21.31.
Variant type: single nucleotide variant.
Coding change: c.742A>C on transcript NM_006545.5 (MANE Select); coding-DNA position 742, A replaced by C.
Protein change: p.Thr248Pro; replaces threonine 248 with proline.
Molecular consequence: missense variant.
Genome position (GRCh38, 1-based): chr3:50,348,389, T>G on the plus strand (A>C on the coding strand, the complement: NPRL2 is on the minus strand). VCF-style: chr3-50348389-T-G. GRCh37 (hg19) VCF-style: chr3-50385820-T-G.
Other names: short protein forms T248P.
Identifiers: ClinVar variation 3375942 (VCV003375942.3).